The following is an entry in ClinVar:

ClinVar aggregate classification (germline): Uncertain significance. Review status: criteria provided, multiple submitters, no conflicts (2 of 4 stars). 3 submissions from 3 submitters: Uncertain significance (3). Last evaluated 2024-12-12.

Conditions:
Inborn genetic diseases. Identifiers: MedGen C0950123, MeSH D030342.
Multiple congenital anomalies-hypotonia-seizures syndrome 3 (MCAHS3). Also called: GLYCOSYLPHOSPHATIDYLINOSITOL BIOSYNTHESIS DEFECT 7. Identifiers: Orphanet 369837, MedGen C3809356, MONDO:0014165, OMIM 615398.

Allele frequency attached by ClinVar (database versions not stated): TOPMed 0.00002; ExAC 0.00003; gnomAD exomes 0.00004.
gnomAD v4.1: 17 of 1,613,914 alleles (0.0011%); highest among the groups gnomAD compares: Middle Eastern, 0.016%; no homozygotes.

Submissions (3):

GeneDx
Classification: Uncertain significance. Last evaluated: 2024-12-12. Review status: criteria provided, single submitter. Criteria: GeneDx Variant Classification Process June 2021. Collection method: clinical testing. Allele origin: germline. Affected: yes.
Comment: In silico analysis indicates that this missense variant does not alter protein structure/function; Has not been previously published as pathogenic or benign to our knowledge

Labcorp Genetics (formerly Invitae), Labcorp
Classification: Uncertain significance for Multiple congenital anomalies-hypotonia-seizures syndrome 3. Last evaluated: 2024-08-14. Review status: criteria provided, single submitter. Criteria: Invitae Variant Classification Sherloc (09022015). Collection method: clinical testing. Allele origin: germline.
Comment: This sequence change replaces arginine, which is basic and polar, with histidine, which is basic and polar, at codon 557 of the PIGT protein (p.Arg557His). This variant is present in population databases (rs762745361, gnomAD 0.02%). This variant has not been reported in the literature in individuals affected with PIGT-related conditions. ClinVar contains an entry for this variant (Variation ID: 1424165). Invitae Evidence Modeling of protein sequence and biophysical properties (such as structural, functional, and spatial information, amino acid conservation, physicochemical variation, residue mobility, and thermodynamic stability) indicates that this missense variant is not expected to disrupt PIGT protein function with a negative predictive value of 80%. In summary, the available evidence is currently insufficient to determine the role of this variant in disease. Therefore, it has been classified as a Variant of Uncertain Significance.

Ambry Genetics
Classification: Uncertain significance for Inborn genetic diseases. Last evaluated: 2021-05-11. Review status: criteria provided, single submitter. Criteria: Ambry Variant Classification Scheme 2023. Collection method: clinical testing. Allele origin: germline.

NM_015937.6(PIGT):c.1670G>A (p.Arg557His)

Gene: PIGT (phosphatidylinositol glycan anchor biosynthesis class T; plus strand). Cytogenetic location: 20q13.12.
Variant type: single nucleotide variant.
Coding change: c.1670G>A on transcript NM_015937.6 (MANE Select); coding-DNA position 1670, G replaced by A.
Protein change: p.Arg557His; replaces arginine 557 with histidine.
Molecular consequence: missense variant. On other transcripts: non-coding transcript variant (5).
Genome position (GRCh38, 1-based): chr20:45,425,759, G>A. VCF-style: chr20-45425759-G-A. GRCh37 (hg19) VCF-style: chr20-44054399-G-A.
Other names: c.1670G>A (NM_015937.4, NM_015937.5); c.1502G>A, p.Arg501His (NM_001184728.3); c.1469G>A, p.Arg490His (NM_001184729.3); c.1364G>A, p.Arg455His (NM_001184730.3); short protein forms R455H, R490H, R501H, R557H.
Identifiers: ClinVar variation 1424165 (VCV001424165.10), dbSNP rs762745361, ClinGen allele CA9878352.
Genomic context (GRCh38, chr20:45,425,759, plus strand): 5'-CCGTGTGCTATGGCTCCTTCTACAATCTCCTCACCCGAACCTTCCACATCGAGGAGCCCC[G>A]CACAGGTGGCCTGGCCAAGCGGCTGGCCAACCTTATCCGGCGCGCCCGAGGTGTCCCCCC-3'
Protein context (NP_057021.2, residues 547-567): LTRTFHIEEP[Arg557His]TGGLAKRLAN